The following is an entry in ClinVar:

NM_000037.4(ANK1):c.2554C>T (p.Gln852Ter)

Gene: ANK1 (ankyrin 1; minus strand). Cytogenetic location: 8p11.21.
Variant type: single nucleotide variant.
Coding change: c.2554C>T on transcript NM_000037.4 (MANE Select); coding-DNA position 2554, C replaced by T.
Protein change: p.Gln852Ter; replaces glutamine 852 with a stop codon.
Molecular consequence: nonsense.
Genome position (GRCh38, 1-based): chr8:41,699,456, G>A on the plus strand (C>T on the coding strand, the complement: ANK1 is on the minus strand). VCF-style: chr8-41699456-G-A. GRCh37 (hg19) VCF-style: chr8-41556974-G-A.
Other names: c.2677C>T, p.Gln893Ter (NM_001142446.2); c.2554C>T, p.Gln852Ter (NM_020475.3, NM_020476.3, NM_020477.3); short protein forms Q893*, Q852*.
Identifiers: ClinVar variation 3655728 (VCV003655728.3).

ClinVar aggregate classification (germline): Pathogenic/Likely pathogenic. Review status: criteria provided, multiple submitters, no conflicts (2 of 4 stars). 2 submissions from 2 submitters: Pathogenic (1); Likely pathogenic (1). Last evaluated 2024-08-07.

Conditions:
Hereditary spherocytosis type 1. Also called: Spherocytosis type 1; ANK1-Related Spherocytosis. Identifiers: Orphanet 822, MedGen C2674218, MONDO:0008447, OMIM 182900.

Submissions (2):

Revvity Omics, Revvity
Classification: Likely pathogenic for Hereditary spherocytosis type 1. Last evaluated: 2024-08-07. Review status: criteria provided, single submitter. Criteria: ACMG Guidelines, 2015. Collection method: clinical testing. Allele origin: germline.

Labcorp Genetics (formerly Invitae), Labcorp
Classification: Pathogenic. Last evaluated: 2024-06-05. Review status: criteria provided, single submitter. Criteria: Invitae Variant Classification Sherloc (09022015). Collection method: clinical testing. Allele origin: germline.
Comment: This sequence change creates a premature translational stop signal (p.Gln852*) in the ANK1 gene. It is expected to result in an absent or disrupted protein product. Loss-of-function variants in ANK1 are known to be pathogenic (PMID: 8640229). This variant is not present in population databases (gnomAD no frequency). This variant has not been reported in the literature in individuals affected with ANK1-related conditions. For these reasons, this variant has been classified as Pathogenic.

Literature cited by the submitters: PubMed 8640229 (cited by Labcorp Genetics (formerly Invitae), Labcorp).